The following is an entry in ClinVar:

ClinVar aggregate classification (germline): Uncertain significance (1 of 4 stars; one submission).

Conditions:
Imerslund-Grasbeck syndrome. Also called: ENTEROCYTE COBALAMIN MALABSORPTION; ENTEROCYTE INTRINSIC FACTOR RECEPTOR, DEFECT OF; Imerslund-Gräsbeck syndrome; Megaloblastic anemia due to inborn errors of metabolism; PERNICIOUS ANEMIA, JUVENILE, DUE TO SELECTIVE INTESTINAL MALABSORPTION OF VITAMIN B12, WITH PROTEINURIA. Identifiers: Orphanet 35858, MedGen C4551825, MONDO:0009853.

Allele frequency attached by ClinVar (database versions not stated): gnomAD 0.00001; gnomAD exomes 0.00001; TOPMed 0.00002.

Submission:

Labcorp Genetics (formerly Invitae), Labcorp
Classification: Uncertain significance for Imerslund-Grasbeck syndrome. Last evaluated: 2021-08-28. Review status: criteria provided, single submitter. Criteria: Invitae Variant Classification Sherloc (09022015). Collection method: clinical testing. Allele origin: germline.
Comment: This sequence change replaces glutamine with glutamic acid at codon 228 of the AMN protein (p.Gln228Glu). The glutamine residue is moderately conserved and there is a small physicochemical difference between glutamine and glutamic acid. The frequency data for this variant in the population databases is considered unreliable, as metrics indicate insufficient coverage at this position in the ExAC database. This variant has not been reported in the literature in individuals affected with AMN-related conditions. Algorithms developed to predict the effect of missense changes on protein structure and function (SIFT, PolyPhen-2, Align-GVGD) all suggest that this variant is likely to be tolerated. In summary, the available evidence is currently insufficient to determine the role of this variant in disease. Therefore, it has been classified as a Variant of Uncertain Significance.

NM_030943.4(AMN):c.682C>G (p.Gln228Glu)

Gene: AMN (amnion associated transmembrane protein; plus strand). Cytogenetic location: 14q32.32.
Variant type: single nucleotide variant.
Coding change: c.682C>G on transcript NM_030943.4 (MANE Select); coding-DNA position 682, C replaced by G.
Protein change: p.Gln228Glu; replaces glutamine 228 with glutamic acid.
Molecular consequence: missense variant.
Genome position (GRCh38, 1-based): chr14:102,929,458, C>G. VCF-style: chr14-102929458-C-G. GRCh37 (hg19) VCF-style: chr14-103395795-C-G.
Other names: short protein forms Q228E.
Identifiers: ClinVar variation 1506773 (VCV001506773.5), dbSNP rs1163522093, ClinGen allele CA391082088.